The following is an entry in ClinVar:

NM_007027.4(TOPBP1):c.4372G>T (p.Ala1458Ser)

Gene: TOPBP1 (DNA topoisomerase II binding protein 1; minus strand). Cytogenetic location: 3q22.1.
Variant type: single nucleotide variant.
Coding change: c.4372G>T on transcript NM_007027.4 (MANE Select); coding-DNA position 4372, G replaced by T.
Protein change: p.Ala1458Ser; replaces alanine 1458 with serine.
Molecular consequence: missense variant.
Genome position (GRCh38, 1-based): chr3:133,608,588, C>A on the plus strand (G>T on the coding strand, the complement: TOPBP1 is on the minus strand). VCF-style: chr3-133608588-C-A. GRCh37 (hg19) VCF-style: chr3-133327432-C-A.
Other names: c.4357G>T, p.Ala1453Ser (NM_001363889.2); short protein forms A1453S, A1458S.
Identifiers: ClinVar variation 3049364 (VCV003049364.2), dbSNP rs148403666, ClinGen allele CA2623784.

ClinVar aggregate classification (germline): Benign (0 of 4 stars; one submission).

Conditions:
TOPBP1-related disorder. Also called: TOPBP1-related condition.

Allele frequency attached by ClinVar (database versions not stated): gnomAD exomes 0.00082; gnomAD 0.00111; TOPMed 0.00117; ExAC 0.00195; 1000 Genomes Project 30x 0.00531; 1000 Genomes Project 0.00619.
gnomAD v4.1: 1,398 of 1,613,828 alleles (0.087%); highest among the groups gnomAD compares: East Asian, 2.7%; 23 homozygotes.

Submission:

PreventionGenetics, part of Exact Sciences
Classification: Benign for TOPBP1-related condition. Last evaluated: 2019-03-20. Review status: no assertion criteria provided. Collection method: clinical testing. Allele origin: germline.
Comment: This variant is classified as benign based on ACMG/AMP sequence variant interpretation guidelines (Richards et al. 2015 PMID: 25741868, with internal and published modifications).